The following is an entry in ClinVar:

ClinVar aggregate classification (germline): Uncertain significance (1 of 4 stars; one submission).

Conditions:
MED12-Related Disorders. Also called: MED12-related condition; MED12-related disorder. Identifiers: MedGen CN381102.

Submission:

3billion
Classification: Uncertain significance for MED12-related disorder. Last evaluated: 2025-02-19. Review status: criteria provided, single submitter. Criteria: ACMG Guidelines, 2015. Collection method: clinical testing. Allele origin: germline. Affected: yes.
Comment: The variant is not observed in the gnomAD v4.1.0 dataset. Predicted Consequence/Location: Missense variant In silico tool predictions suggest damaging effect of the variant on gene or gene product [3Cnet: 0.82 (>=0.6, sensitivity 0.72 and precision 0.9)]. Therefore, this variant is classified as VUS according to the recommendation of ACMG/AMP guideline.

NM_005120.3(MED12):c.3918C>A (p.Asp1306Glu)

Gene: MED12 (mediator complex subunit 12; plus strand). Cytogenetic location: Xq13.1.
Variant type: single nucleotide variant.
Coding change: c.3918C>A on transcript NM_005120.3 (MANE Select); coding-DNA position 3918, C replaced by A.
Protein change: p.Asp1306Glu; replaces aspartic acid 1306 with glutamic acid.
Molecular consequence: missense variant.
Genome position (GRCh38, 1-based): chrX:71,130,085, C>A. VCF-style: chrX-71130085-C-A. GRCh37 (hg19) VCF-style: chrX-70349935-C-A.
Other names: short protein forms D1306E.
Identifiers: ClinVar variation 4293891 (VCV004293891.1).